The following is an entry in ClinVar:

ClinVar aggregate classification (germline): Uncertain significance (1 of 4 stars; one submission).

Conditions:
Encephalopathy, acute, infection-induced (herpes-specific), susceptibility to, 1. Also called: Herpes simplex encephalitis, susceptibility to, 1. Identifiers: Orphanet 1930, MedGen C2750180, MONDO:0024563, OMIM 610551.

Submission:

Labcorp Genetics (formerly Invitae), Labcorp
Classification: Uncertain significance for Encephalopathy, acute, infection-induced (herpes-specific), susceptibility to, 1. Last evaluated: 2024-11-11. Review status: criteria provided, single submitter. Criteria: Invitae Variant Classification Sherloc (09022015). Collection method: clinical testing. Allele origin: germline.
Comment: This sequence change replaces proline, which is neutral and non-polar, with serine, which is neutral and polar, at codon 584 of the UNC93B1 protein (p.Pro584Ser). This variant is not present in population databases (gnomAD no frequency). This variant has not been reported in the literature in individuals affected with UNC93B1-related conditions. Experimental studies and prediction algorithms are not available or were not evaluated, and the functional significance of this variant is currently unknown. In summary, the available evidence is currently insufficient to determine the role of this variant in disease. Therefore, it has been classified as a Variant of Uncertain Significance.

NM_030930.4(UNC93B1):c.1750C>T (p.Pro584Ser)

Gene: UNC93B1 (unc-93B1 regulator of TLR signaling; minus strand). Cytogenetic location: 11q13.2.
Variant type: single nucleotide variant.
Coding change: c.1750C>T on transcript NM_030930.4 (MANE Select); coding-DNA position 1750, C replaced by T.
Protein change: p.Pro584Ser; replaces proline 584 with serine.
Molecular consequence: missense variant.
Genome position (GRCh38, 1-based): chr11:67,991,590, G>A on the plus strand (C>T on the coding strand, the complement: UNC93B1 is on the minus strand). VCF-style: chr11-67991590-G-A. GRCh37 (hg19) VCF-style: chr11-67759061-G-A.
Other names: short protein forms P584S.
Identifiers: ClinVar variation 3678873 (VCV003678873.2).
Genomic context (GRCh38, chr11:67,991,590, plus strand): 5'-GGGACCAGGCGGCCCCTCACTGCTCCTCCGGCCCGTCTCCCCCCTGCGCCTGTTCGTACG[G>A]GCAGGGCCGGCGGCCGAGTCCAGCGGGCTCGGGGCCAGGCCTGGGCCCTGCGGGCGGCGC-3'
Protein context (NP_112192.2, residues 574-594): EPAGLGRRPC[Pro584Ser]YEQAQGGDGP